The following is an entry in ClinVar:

NM_054012.4(ASS1):c.875A>G (p.His292Arg)

Gene: ASS1 (argininosuccinate synthase 1; plus strand). Cytogenetic location: 9q34.11.
Variant type: single nucleotide variant.
Coding change: c.875A>G on transcript NM_054012.4 (MANE Select); coding-DNA position 875, A replaced by G.
Protein change: p.His292Arg; replaces histidine 292 with arginine.
Molecular consequence: missense variant.
Genome position (GRCh38, 1-based): chr9:130,489,369, A>G. VCF-style: chr9-130489369-A-G. GRCh37 (hg19) VCF-style: chr9-133364756-A-G.
Other names: c.875A>G, p.His292Arg (NM_000050.4); short protein forms H292R.
Identifiers: ClinVar variation 3682657 (VCV003682657.2).

ClinVar aggregate classification (germline): Uncertain significance (1 of 4 stars; one submission).

Conditions:
Citrullinemia. Identifiers: Orphanet 187, MedGen C0175683, MONDO:0015991.

Submission:

Labcorp Genetics (formerly Invitae), Labcorp
Classification: Uncertain significance for Citrullinemia. Last evaluated: 2024-12-07. Review status: criteria provided, single submitter. Criteria: Invitae Variant Classification Sherloc (09022015). Collection method: clinical testing. Allele origin: germline.
Comment: This sequence change replaces histidine, which is basic and polar, with arginine, which is basic and polar, at codon 292 of the ASS1 protein (p.His292Arg). This variant is not present in population databases (gnomAD no frequency). This variant has not been reported in the literature in individuals affected with ASS1-related conditions. Invitae Evidence Modeling of protein sequence and biophysical properties (such as structural, functional, and spatial information, amino acid conservation, physicochemical variation, residue mobility, and thermodynamic stability) indicates that this missense variant is not expected to disrupt ASS1 protein function with a negative predictive value of 80%. In summary, the available evidence is currently insufficient to determine the role of this variant in disease. Therefore, it has been classified as a Variant of Uncertain Significance.